The following is an entry in ClinVar:

NM_012210.4(TRIM32):c.521C>T (p.Ser174Phe)

Genes: ASTN2 (astrotactin 2; minus strand), TRIM32 (tripartite motif containing 32; plus strand). Cytogenetic location: 9q33.1.
Variant type: single nucleotide variant.
Coding change: c.521C>T on transcript NM_012210.4 (MANE Select); coding-DNA position 521, C replaced by T.
Protein change: p.Ser174Phe; replaces serine 174 with phenylalanine.
Molecular consequence: missense variant. On other transcripts: intron variant (3).
Genome position (GRCh38, 1-based): chr9:116,698,263, C>T. VCF-style: chr9-116698263-C-T. GRCh37 (hg19) VCF-style: chr9-119460542-C-T.
Other names: c.521C>T, p.Ser174Phe (NM_001099679.2, NM_001379048.1, NM_001379049.1 and 1 more transcripts); c.2653+27508G>A (NM_014010.5); c.2794+27508G>A (NM_001365069.1); c.2806+27508G>A (NM_001365068.1); short protein forms S174F.
Identifiers: ClinVar variation 288658 (VCV000288658.31), dbSNP rs138699534, ClinGen allele CA5210998.

ClinVar aggregate classification (germline): Conflicting classifications of pathogenicity. Review status: criteria provided, conflicting classifications (1 of 4 stars). 10 submissions from 10 submitters: Uncertain significance (9); Likely benign (1). Last evaluated 2026-07-24.

Conditions:
TRIM32-related disorder. Also called: TRIM32-related condition.
Inborn genetic diseases. Identifiers: MedGen C0950123, MeSH D030342.
Bardet-Biedl syndrome (BBS). Identifiers: Orphanet 110, MedGen C0752166, MONDO:0015229.
Bardet-Biedl syndrome 11 (BBS11). Identifiers: Orphanet 110, MedGen C1859569, MONDO:0014439, OMIM 615988.
Sarcotubular myopathy (LGMDR8). Also called: Limb-girdle muscular dystrophy, type 2H; MUSCULAR DYSTROPHY, LIMB-GIRDLE, AUTOSOMAL RECESSIVE 8; Autosomal recessive limb-girdle muscular dystrophy type 2H; Hutterite type of muscular dystrophy. Identifiers: Orphanet 1878, MedGen C0270968, MONDO:0009683, OMIM 254110.

Allele frequency attached by ClinVar (database versions not stated): ExAC 0.00017; gnomAD 0.00019; gnomAD exomes 0.00019; TOPMed 0.00022; ESP Exome Variant Server 0.00038.
gnomAD v4.1: 438 of 1,614,022 alleles (0.027%); highest among the groups gnomAD compares: Non-Finnish European, 0.035%; no homozygotes.

Submissions (10):

PreventionGenetics, part of Exact Sciences
Classification: Uncertain significance for TRIM32-related condition. Last evaluated: 2026-07-24. Review status: criteria provided, single submitter. Criteria: ACMG Guidelines, 2015. Collection method: clinical testing. Allele origin: germline.
Comment: The TRIM32 c.521C>T variant is predicted to result in the amino acid substitution p.Ser174Phe. This variant has been reported in the heterozygous state in several individuals who presented with unexplained proximal muscle weakness; however, no second variant was identified in these patients and no additional evidence was provided to help determine pathogenicity of the variant (Table S1, Johnson et al. 2019. PubMed ID: 29921608). This variant is reported in 0.033% of alleles in individuals of European (Non-Finnish) descent in gnomAD. At this time, the clinical significance of this variant is uncertain due to the absence of conclusive functional and genetic evidence.

Blueprint Genetics
Classification: Uncertain significance. Last evaluated: 2024-11-22. Review status: criteria provided, single submitter. Criteria: ACMG Guidelines, 2015. Collection method: clinical testing. Allele origin: germline.

Revvity Omics, Revvity
Classification: Likely benign. Last evaluated: 2024-09-18. Review status: criteria provided, single submitter. Criteria: ACMG Guidelines, 2015. Collection method: clinical testing. Allele origin: germline.

GeneDx
Classification: Uncertain significance. Last evaluated: 2024-06-07. Review status: criteria provided, single submitter. Criteria: GeneDx Variant Classification Process June 2021. Collection method: clinical testing. Allele origin: germline. Affected: yes.
Comment: In silico analysis indicates that this missense variant does not alter protein structure/function; Has not been previously published as pathogenic or benign to our knowledge

Fulgent Genetics
Classification: Uncertain significance for Sarcotubular myopathy; Bardet-Biedl syndrome 11. Last evaluated: 2023-12-27. Review status: criteria provided, single submitter. Criteria: ACMG Guidelines, 2015. Collection method: clinical testing. Allele origin: germline.

Labcorp Genetics (formerly Invitae), Labcorp
Classification: Uncertain significance for Bardet-Biedl syndrome. Last evaluated: 2022-10-13. Review status: criteria provided, single submitter. Criteria: Invitae Variant Classification Sherloc (09022015). Collection method: clinical testing. Allele origin: germline.
Comment: This sequence change replaces serine, which is neutral and polar, with phenylalanine, which is neutral and non-polar, at codon 174 of the TRIM32 protein (p.Ser174Phe). This variant is present in population databases (rs138699534, gnomAD 0.03%). This variant has not been reported in the literature in individuals affected with TRIM32-related conditions. ClinVar contains an entry for this variant (Variation ID: 288658). Algorithms developed to predict the effect of missense changes on protein structure and function are either unavailable or do not agree on the potential impact of this missense change (SIFT: "Deleterious"; PolyPhen-2: "Possibly Damaging"; Align-GVGD: "Class C15"). In summary, the available evidence is currently insufficient to determine the role of this variant in disease. Therefore, it has been classified as a Variant of Uncertain Significance.

Ambry Genetics
Classification: Uncertain significance for Inborn genetic diseases. Last evaluated: 2021-09-17. Review status: criteria provided, single submitter. Criteria: Ambry Variant Classification Scheme 2023. Collection method: clinical testing. Allele origin: germline.

Mayo Clinic Laboratories, Mayo Clinic
Classification: Uncertain significance. Last evaluated: 2020-08-14. Review status: criteria provided, single submitter. Criteria: ACMG Guidelines, 2015. Collection method: clinical testing. Allele origin: germline. Observed: 1 variant allele.

Eurofins Ntd Llc (ga)
Classification: Uncertain significance. Last evaluated: 2016-06-13. Review status: criteria provided, single submitter. Criteria: EGL Classification Definitions 2015. Collection method: clinical testing. Allele origin: germline. Observed: 1 variant allele, 1 heterozygote.

Breakthrough Genomics
Classification: Uncertain significance. Review status: criteria provided, single submitter. Criteria: ACMG Guidelines, 2015. Collection method: not provided. Allele origin: germline. Inheritance: Autosomal recessive inheritance. Affected: yes.